The following is an entry in ClinVar:

NM_001111.5(ADAR):c.1295_1296del (p.Leu432fs)

Gene: ADAR (adenosine deaminase RNA specific; minus strand). Cytogenetic location: 1q21.3.
Variant type: Deletion.
Coding change: c.1295_1296del on transcript NM_001111.5 (MANE Select); coding-DNA positions 1295 to 1296, 2 bases deleted (TG; older notation c.1295_1296delTG).
Protein change: p.Leu432fs; shifts the reading frame from leucine 432.
Molecular consequence: frameshift variant.
Genome position (GRCh38, 1-based): chr1:154,601,346-154,601,347, CA deleted on the plus strand (TG on the coding strand, the reverse complement: ADAR is on the minus strand). VCF-style (leftmost placement, unchanged base first): chr1-154601345-TCA-T. GRCh37 (hg19) VCF-style: chr1-154573821-TCA-T.
Other names: c.410_411del, p.Leu137fs (NM_001193495.2, NM_001365046.1, NM_001365047.1 and 3 more transcripts); c.1322_1323del, p.Leu441fs (NM_001365045.1); c.1295_1296del, p.Leu432fs (NM_015840.4, NM_015841.4); short protein forms L432fs, L137fs, L441fs.
Identifiers: ClinVar variation 4787086 (VCV004787086.1).

ClinVar aggregate classification (germline): Pathogenic (1 of 4 stars; one submission).

Conditions:
Symmetrical dyschromatosis of extremities (DSH). Also called: DYSCHROMATOSIS SYMMETRICA HEREDITARIA 1; RETICULATE ACROPIGMENTATION OF DOHI; SYMMETRIC DYSCHROMATOSIS OF THE EXTREMITIES; Dyschromatosis symmetrica hereditaria. Identifiers: Orphanet 41, MedGen C0406775, MONDO:0007483, OMIM 127400.
Aicardi-Goutieres syndrome 6 (AGS6). Identifiers: Orphanet 51, MedGen C3539013, MONDO:0014007, OMIM 615010.

Submission:

Labcorp Genetics (formerly Invitae), Labcorp
Classification: Pathogenic for Aicardi-Goutieres syndrome 6; Symmetrical dyschromatosis of extremities. Last evaluated: 2025-12-30. Review status: criteria provided, single submitter. Criteria: Invitae Variant Classification Sherloc (09022015). Collection method: clinical testing. Allele origin: germline.
Comment: This sequence change creates a premature translational stop signal (p.Leu432Glnfs*16) in the ADAR gene. It is expected to result in an absent or disrupted protein product. Loss-of-function variants in ADAR are known to be pathogenic (PMID: 22974014). This variant is not present in population databases (gnomAD no frequency). This variant has not been reported in the literature in individuals affected with ADAR-related conditions. For these reasons, this variant has been classified as Pathogenic.

Literature cited by the submitters: PubMed 22974014.